The following is an entry in ClinVar:

NM_001305581.2(LRMDA):c.560C>T (p.Thr187Met)

Gene: LRMDA (leucine rich melanocyte differentiation associated; plus strand). Cytogenetic location: 10q22.3.
Variant type: single nucleotide variant.
Coding change: c.560C>T on transcript NM_001305581.2 (MANE Select); coding-DNA position 560, C replaced by T.
Protein change: p.Thr187Met; replaces threonine 187 with methionine.
Molecular consequence: missense variant. On other transcripts: non-coding transcript variant (1).
Genome position (GRCh38, 1-based): chr10:76,324,444, C>T. VCF-style: chr10-76324444-C-T. GRCh37 (hg19) VCF-style: chr10-78084202-C-T.
Other names: c.476C>T, p.Thr159Met (NM_032024.5); short protein forms T159M, T187M.
Identifiers: ClinVar variation 1918108 (VCV001918108.2), dbSNP rs775235354, ClinGen allele CA5567668.

ClinVar aggregate classification (germline): Uncertain significance (1 of 4 stars; one submission).

Allele frequency attached by ClinVar (database versions not stated): ExAC 0.00001; TOPMed 0.00001; gnomAD 0.00002.
gnomAD v4.1: 12 of 1,614,122 alleles (0.00074%); highest among the groups gnomAD compares: African/African-American, 0.0067%; no homozygotes.

Submission:

Labcorp Genetics (formerly Invitae), Labcorp
Classification: Uncertain significance. Last evaluated: 2022-01-02. Review status: criteria provided, single submitter. Criteria: Invitae Variant Classification Sherloc (09022015). Collection method: clinical testing. Allele origin: germline.
Comment: This sequence change replaces threonine, which is neutral and polar, with methionine, which is neutral and non-polar, at codon 159 of the C10orf11 protein (p.Thr159Met). This variant is present in population databases (rs775235354, gnomAD 0.007%). This variant has not been reported in the literature in individuals affected with C10orf11-related conditions. Algorithms developed to predict the effect of missense changes on protein structure and function are either unavailable or do not agree on the potential impact of this missense change (SIFT: "Deleterious"; PolyPhen-2: "Possibly Damaging"; Align-GVGD: "Class C0"). In summary, the available evidence is currently insufficient to determine the role of this variant in disease. Therefore, it has been classified as a Variant of Uncertain Significance.